The following is an entry in ClinVar:

ClinVar aggregate classification (germline): Uncertain significance. Review status: criteria provided, multiple submitters, no conflicts (2 of 4 stars). 2 submissions from 2 submitters: Uncertain significance (2). Last evaluated 2021-12-05.

Conditions:
Mitochondrial DNA depletion syndrome 1. Also called: Mitochondrial DNA Depletion Syndrome, MNGIE Form; Mitochondrial neurogastrointestinal encephalomyopathy syndrome; POLIP SYNDROME; POLYNEUROPATHY, OPHTHALMOPLEGIA, LEUKOENCEPHALOPATHY, AND INTESTINAL PSEUDOOBSTRUCTION; Mitochondrial DNA depletion syndrome 1 (MNGIE type); Mitochondrial Neurogastrointestinal Encephalopathy Disease. Identifiers: Orphanet 298, MedGen C4551995, MONDO:0011283, OMIM 603041.
Sensory ataxic neuropathy, dysarthria, and ophthalmoparesis (SANDO). Also called: Ataxia Neuropathy Spectrum (ANS); Epilepsy, progressive myoclonic, type 5; Sensory ataxic neuropathy-dysarthria-ophthalmoparesis syndrome; SENSORY ATAXIC NEUROPATHY WITH MITOCHONDRIAL DNA DELETIONS, AUTOSOMAL RECESSIVE. Identifiers: Orphanet 70595, MedGen C1843851, MONDO:0011835, OMIM 607459.
Progressive sclerosing poliodystrophy (MTDPS4A). Also called: Mitochondrial DNA depletion syndrome 4A (Alpers type); ALPERS PROGRESSIVE INFANTILE POLIODYSTROPHY; NEURONAL DEGENERATION OF CHILDHOOD WITH LIVER DISEASE, PROGRESSIVE; Mitochondrial DNA Depletion Syndrome 4A; Alpers-Huttenlocher Syndrome (AHS); Alpers Syndrome. Identifiers: Orphanet 726, MedGen C0205710, MONDO:0008758, OMIM 203700.
Progressive external ophthalmoplegia with mitochondrial DNA deletions, autosomal dominant 1 (PEOA1). Also called: PROGRESSIVE EXTERNAL OPHTHALMOPLEGIA, AUTOSOMAL DOMINANT 1; Autosomal Dominant Progressive External Ophthalmoplegia (adPEO). Identifiers: MedGen C1834846, MONDO:0024528, OMIM 157640.
Mitochondrial DNA depletion syndrome 4b. Also called: Mitochondrial Neurogastrointestinal Encephalopathy Disease, POLG-Related; MNGIE, POLG-RELATED. Identifiers: Orphanet 298, MedGen C3150914, MONDO:0013350, OMIM 613662.
Progressive external ophthalmoplegia with mitochondrial DNA deletions, autosomal recessive 1 (PEOB1). Also called: Progressive external ophthalmoplegia, autosomal recessive 1; Autosomal Recessive Progressive External Ophthalmoplegia (arPEO). Identifiers: Orphanet 254886, MedGen C4225153, MONDO:0009783, OMIM 258450.

Submissions (2):

Labcorp Genetics (formerly Invitae), Labcorp
Classification: Uncertain significance for Progressive sclerosing poliodystrophy. Last evaluated: 2021-12-05. Review status: criteria provided, single submitter. Criteria: Invitae Variant Classification Sherloc (09022015). Collection method: clinical testing. Allele origin: germline.
Comment: This sequence change replaces glutamic acid, which is acidic and polar, with aspartic acid, which is acidic and polar, at codon 698 of the POLG protein (p.Glu698Asp). This variant is not present in population databases (gnomAD no frequency). This variant has not been reported in the literature in individuals affected with POLG-related conditions. Algorithms developed to predict the effect of missense changes on protein structure and function output the following: SIFT: "Tolerated"; PolyPhen-2: "Benign"; Align-GVGD: "Class C0". The aspartic acid amino acid residue is found in multiple mammalian species, which suggests that this missense change does not adversely affect protein function. In summary, the available evidence is currently insufficient to determine the role of this variant in disease. Therefore, it has been classified as a Variant of Uncertain Significance.

Fulgent Genetics
Classification: Uncertain significance for Progressive external ophthalmoplegia with mitochondrial DNA deletions, autosomal dominant 1; Progressive sclerosing poliodystrophy; Progressive external ophthalmoplegia with mitochondrial DNA deletions, autosomal recessive 1; Mitochondrial DNA depletion syndrome 1; Sensory ataxic neuropathy, dysarthria, and ophthalmoparesis; Mitochondrial DNA depletion syndrome 4b. Last evaluated: 2021-11-30. Review status: criteria provided, single submitter. Criteria: ACMG Guidelines, 2015. Collection method: clinical testing. Allele origin: unknown.

NM_002693.3(POLG):c.2094A>C (p.Glu698Asp)

Gene: POLG (DNA polymerase gamma, catalytic subunit; minus strand). Cytogenetic location: 15q26.1.
Variant type: single nucleotide variant.
Coding change: c.2094A>C on transcript NM_002693.3 (MANE Select); coding-DNA position 2094, A replaced by C.
Protein change: p.Glu698Asp; replaces glutamic acid 698 with aspartic acid.
Molecular consequence: missense variant.
Genome position (GRCh38, 1-based): chr15:89,323,878, T>G on the plus strand (A>C on the coding strand, the complement: POLG is on the minus strand). VCF-style: chr15-89323878-T-G. GRCh37 (hg19) VCF-style: chr15-89867109-T-G.
Other names: c.2094A>C, p.Glu698Asp (NM_001126131.2); short protein forms E698D.
Identifiers: ClinVar variation 1396403 (VCV001396403.7), dbSNP rs2152063213, ClinGen allele CA393757248.
Genomic context (GRCh38, chr15:89,323,878, plus strand): 5'-AGCTAGGGGTTGACCTGGCACTGCAGCTCGCAAGTTCTCCATCTTGGCCTCAGCCTCCAC[T>G]TCTAAGTAATCCAGTTCTTCTACCTGGAGCAGTCCAAGGACCAAAGTAGTGAAGCAGGGG-3'
Protein context (NP_002684.1, residues 688-708): WQTVEELDYL[Glu698Asp]VEAEAKMENL